The following is an entry in ClinVar:

NM_001077365.2(POMT1):c.974C>T (p.Thr325Ile)

Gene: POMT1 (protein O-mannosyltransferase 1; plus strand). Cytogenetic location: 9q34.13.
Variant type: single nucleotide variant.
Coding change: c.974C>T on transcript NM_001077365.2 (MANE Select); coding-DNA position 974, C replaced by T.
Protein change: p.Thr325Ile; replaces threonine 325 with isoleucine.
Molecular consequence: missense variant. On other transcripts: synonymous variant (1), 5 prime UTR variant (1), non-coding transcript variant (10).
Genome position (GRCh38, 1-based): chr9:131,511,455, C>T. VCF-style: chr9-131511455-C-T. GRCh37 (hg19) VCF-style: chr9-134386842-C-T.
Other names: c.812C>T, p.Thr271Ile (NM_001077366.2, NM_001353194.2, NM_001374693.1); c.974C>T, p.Thr325Ile (NM_001136113.2, NM_001374690.1); c.623C>T, p.Thr208Ile (NM_001136114.2, NM_001353195.2, NM_001374691.1 and 1 more transcripts); c.1040C>T, p.Thr347Ile (NM_001353193.2, NM_007171.4); c.884C>T, p.Thr295Ile (NM_001353196.2); c.878C>T, p.Thr293Ile (NM_001353197.2, NM_001353198.2); c.689C>T, p.Thr230Ile (NM_001353199.2); c.518C>T, p.Thr173Ile (NM_001353200.2); and 3 more; short protein forms T173I, T195I, T208I, T230I, T271I, T293I, T295I, T325I.
Identifiers: ClinVar variation 3345381 (VCV003345381.1).
Genomic context (GRCh38, chr9:131,511,455, plus strand): 5'-TCACTCTGAGGAACGTCTTTGGGAAACCTGTGCCCTGCTGGCTTCATTCCCACCAGGACA[C>T]CTACCCCATGATGTAAGGTGATGGTTTTACTTTGAAGATAATTAAATGCTTTATTTGCTC-3'
Protein context (NP_001070833.1, residues 315-335): VPCWLHSHQD[Thr325Ile]YPMIYENGRG

ClinVar aggregate classification (germline): Uncertain significance (0 of 4 stars; one submission).

Conditions:
POMT1-related disorder. Also called: POMT1-related condition; POMT1-related disorders.

Submission:

PreventionGenetics, part of Exact Sciences
Classification: Uncertain significance for POMT1-related condition. Last evaluated: 2024-05-09. Review status: no assertion criteria provided. Collection method: clinical testing. Allele origin: germline.
Comment: The POMT1 c.1040C>T variant is predicted to result in the amino acid substitution p.Thr347Ile. To our knowledge, this variant has not been reported in the literature or in a large population database, indicating this variant is rare. At this time, the clinical significance of this variant is uncertain due to the absence of conclusive functional and genetic evidence.